The following is an entry in ClinVar:

ClinVar aggregate classification (germline): Uncertain significance. Review status: criteria provided, multiple submitters, no conflicts (2 of 4 stars). 2 submissions from 2 submitters: Uncertain significance (2). Last evaluated 2024-05-06.

Conditions:
Hereditary cancer-predisposing syndrome. Also called: Neoplastic Syndromes, Hereditary; Hereditary Cancer Syndrome; Tumor predisposition; Hereditary neoplastic syndrome. Identifiers: Orphanet 140162, MedGen C0027672, MeSH D009386, MONDO:0015356.
Carney complex, type 1 (CNC1). Also called: CARNEY COMPLEX, TYPE I; CARNEY MYXOMA-ENDOCRINE COMPLEX. Identifiers: Orphanet 1359, MedGen C2607929, MONDO:0008057, OMIM 160980.

Submissions (2):

Labcorp Genetics (formerly Invitae), Labcorp
Classification: Uncertain significance for Carney complex, type 1. Last evaluated: 2024-05-06. Review status: criteria provided, single submitter. Criteria: Invitae Variant Classification Sherloc (09022015). Collection method: clinical testing. Allele origin: germline.
Comment: This sequence change replaces glutamine, which is neutral and polar, with histidine, which is basic and polar, at codon 179 of the PRKAR1A protein (p.Gln179His). This variant is not present in population databases (gnomAD no frequency). This variant has not been reported in the literature in individuals affected with PRKAR1A-related conditions. ClinVar contains an entry for this variant (Variation ID: 2447617). Advanced modeling of protein sequence and biophysical properties (such as structural, functional, and spatial information, amino acid conservation, physicochemical variation, residue mobility, and thermodynamic stability) performed at Invitae indicates that this missense variant is not expected to disrupt PRKAR1A protein function with a negative predictive value of 80%. In summary, the available evidence is currently insufficient to determine the role of this variant in disease. Therefore, it has been classified as a Variant of Uncertain Significance.

Ambry Genetics
Classification: Uncertain significance for Hereditary cancer-predisposing syndrome. Last evaluated: 2023-01-23. Review status: criteria provided, single submitter. Criteria: Ambry Variant Classification Scheme 2023. Collection method: clinical testing. Allele origin: germline.
Comment: The p.Q179H variant (also known as c.537A>C), located in coding exon 5 of the PRKAR1A gene, results from an A to C substitution at nucleotide position 537. The glutamine at codon 179 is replaced by histidine, an amino acid with highly similar properties. This amino acid position is conserved. In addition, this alteration is predicted to be deleterious by in silico analysis. Since supporting evidence is limited at this time, the clinical significance of this alteration remains unclear.

NM_002734.5(PRKAR1A):c.537A>C (p.Gln179His)

Gene: PRKAR1A (protein kinase cAMP-dependent type I regulatory subunit alpha; plus strand). Cytogenetic location: 17q24.2.
Variant type: single nucleotide variant.
Coding change: c.537A>C on transcript NM_002734.5 (MANE Select); coding-DNA position 537, A replaced by C.
Protein change: p.Gln179His; replaces glutamine 179 with histidine.
Molecular consequence: missense variant.
Genome position (GRCh38, 1-based): chr17:68,524,946, A>C. VCF-style: chr17-68524946-A-C. GRCh37 (hg19) VCF-style: chr17-66521087-A-C.
Other names: c.537A>C, p.Gln179His (NM_001276289.2, NM_001276290.1, NM_001278433.2 and 4 more transcripts); short protein forms Q179H.
Identifiers: ClinVar variation 2447617 (VCV002447617.5), dbSNP rs2509412913, ClinGen allele CA400753008.